The following is an entry in ClinVar:

NM_013436.5(NCKAP1):c.1761+8T>G

Gene: NCKAP1 (NCK associated protein 1; minus strand). Cytogenetic location: 2q32.1.
Variant type: single nucleotide variant.
Coding change: c.1761+8T>G on transcript NM_013436.5 (MANE Select); 8 bases into the intron after coding-DNA position 1761, T replaced by G.
Molecular consequence: intron variant.
Genome position (GRCh38, 1-based): chr2:182,964,668, A>C on the plus strand (T>G on the coding strand, the complement: NCKAP1 is on the minus strand). VCF-style: chr2-182964668-A-C. GRCh37 (hg19) VCF-style: chr2-183829396-A-C.
Other names: c.1755+8T>G (NM_001437266.1); c.1773+8T>G (NM_001437267.1); c.1779+8T>G (NM_205842.3).
Identifiers: ClinVar variation 4881937 (VCV004881937.2).

ClinVar aggregate classification (germline): Uncertain significance (1 of 4 stars; one submission).

Submission:

Dasa
Classification: Uncertain significance. Last evaluated: 2026-02-19. Review status: criteria provided, single submitter. Criteria: DASA Assertion Criteria. Collection method: clinical testing. Allele origin: germline.
Comment: NM_013436.5(NCKAP1):c.1761+8T>G is a splice-region variant. This variant is rare in population databases. Computational prediction algorithms are consistent with a benign effect. The currently available literature and clinical evidence are not sufficient to establish a definitive association between this variant and the reported condition. Therefore, this variant is classified as a variant of uncertain significance.